The following is an entry in ClinVar:

NM_015629.4(PRPF31):c.698-1G>A

Gene: PRPF31 (pre-mRNA processing factor 31; plus strand). Cytogenetic location: 19q13.42.
Variant type: single nucleotide variant.
Coding change: c.698-1G>A on transcript NM_015629.4 (MANE Select); the canonical splice acceptor site of the intron before coding-DNA position 698, G replaced by A.
Molecular consequence: splice acceptor variant.
Genome position (GRCh38, 1-based): chr19:54,124,498, G>A. VCF-style: chr19-54124498-G-A. GRCh37 (hg19) VCF-style: chr19-54627877-G-A.
Identifiers: ClinVar variation 866370 (VCV000866370.44), dbSNP rs2073871791, ClinGen allele CA407751018.

ClinVar aggregate classification (germline): Pathogenic. Review status: criteria provided, multiple submitters, no conflicts (2 of 4 stars). 4 submissions from 4 submitters: Pathogenic (4). Last evaluated 2025-12-15.

Conditions:
PRPF31-related disorder. Also called: PRPF31-related condition.
Retinal dystrophy. Also called: Inherited retinal dystrophy. Identifiers: Orphanet 71862, MedGen C0854723, MeSH D058499, MONDO:0019118, HP:0000556.

Submissions (4):

Labcorp Genetics (formerly Invitae), Labcorp
Classification: Pathogenic. Last evaluated: 2025-12-15. Review status: criteria provided, single submitter. Criteria: Invitae Variant Classification Sherloc (09022015). Collection method: clinical testing. Allele origin: germline.
Comment: This sequence change affects an acceptor splice site in intron 7 of the PRPF31 gene. It is expected to disrupt RNA splicing. Variants that disrupt the donor or acceptor splice site typically lead to a loss of protein function (PMID: 16199547), and loss-of-function variants in PRPF31 are known to be pathogenic (PMID: 18317597, 23950152). This variant is not present in population databases (gnomAD no frequency). Disruption of this splice site has been observed in individuals with retinitis pigmentosa (PMID: 27898983, 29785639). ClinVar contains an entry for this variant (Variation ID: 866370). Algorithms developed to predict the effect of sequence changes on RNA splicing suggest that this variant may disrupt the consensus splice site. For these reasons, this variant has been classified as Pathogenic.

Institute of Human Genetics, Univ. Regensburg, Univ. Regensburg
Classification: Pathogenic for Retinal dystrophy. Last evaluated: 2022-01-01. Review status: criteria provided, single submitter. Criteria: ACMG Guidelines, 2015. Collection method: clinical testing. Allele origin: germline. Affected: yes.

Blueprint Genetics
Classification: Pathogenic for PRPF31-related disorders. Last evaluated: 2020-05-29. Review status: criteria provided, single submitter. Criteria: ACMG Guidelines, 2015. Collection method: clinical testing. Allele origin: germline. Affected: yes. Observed: 3 variant alleles.

CeGaT Center for Human Genetics Tuebingen
Classification: Pathogenic. Last evaluated: 2019-07-01. Review status: criteria provided, single submitter. Criteria: CeGaT Center For Human Genetics Tuebingen Variant Classification Criteria Version 2. Collection method: clinical testing. Allele origin: germline. Affected: yes. Observed: 2 variant alleles.

Literature cited by the submitters: PubMed 16199547 (cited by Labcorp Genetics (formerly Invitae), Labcorp); PubMed 18317597 (cited by Labcorp Genetics (formerly Invitae), Labcorp); PubMed 23950152 (cited by Labcorp Genetics (formerly Invitae), Labcorp); PubMed 27898983 (cited by Labcorp Genetics (formerly Invitae), Labcorp and Institute of Human Genetics, Univ. Regensburg, Univ. Regensburg); PubMed 29785639 (cited by Labcorp Genetics (formerly Invitae), Labcorp and Institute of Human Genetics, Univ. Regensburg, Univ. Regensburg); PubMed 32531858 (cited by Institute of Human Genetics, Univ. Regensburg, Univ. Regensburg).